The following is an entry in ClinVar:

NM_007217.4(PDCD10):c.131T>G (p.Leu44Arg)

Gene: PDCD10 (programmed cell death 10; minus strand). Cytogenetic location: 3q26.1.
Variant type: single nucleotide variant.
Coding change: c.131T>G on transcript NM_007217.4 (MANE Select); coding-DNA position 131, T replaced by G.
Protein change: p.Leu44Arg; replaces leucine 44 with arginine.
Molecular consequence: missense variant.
Genome position (GRCh38, 1-based): chr3:167,704,861, A>C on the plus strand (T>G on the coding strand, the complement: PDCD10 is on the minus strand). VCF-style: chr3-167704861-A-C. GRCh37 (hg19) VCF-style: chr3-167422649-A-C.
Other names: c.131T>G, p.Leu44Arg (NM_145859.2, NM_145860.2); c.131T>G (NM_145860.1); short protein forms L44R.
Identifiers: ClinVar variation 2748819 (VCV002748819.5), dbSNP rs2475799861, ClinGen allele CA355155020.

ClinVar aggregate classification (germline): Uncertain significance. Review status: criteria provided, multiple submitters, no conflicts (2 of 4 stars). 2 submissions from 2 submitters: Uncertain significance (2). Last evaluated 2024-04-24.

Conditions:
Inborn genetic diseases. Identifiers: MedGen C0950123, MeSH D030342.
Cerebral cavernous malformation 3. Also called: Familial Cerebral Cavernous Malformation 3. Identifiers: Orphanet 221061, MedGen C1864040, MONDO:0011305, OMIM 603285.

Submissions (2):

Ambry Genetics
Classification: Uncertain significance for Inborn genetic diseases. Last evaluated: 2024-04-24. Review status: criteria provided, single submitter. Criteria: Ambry Variant Classification Scheme 2023. Collection method: clinical testing. Allele origin: germline.
Comment: The c.131T>G (p.L44R) alteration is located in exon 3 (coding exon 2) of the PDCD10 gene. This alteration results from a T to G substitution at nucleotide position 131, causing the leucine (L) at amino acid position 44 to be replaced by an arginine (R). This variant was not reported in population-based cohorts in the Genome Aggregation Database (gnomAD). Another alteration at the same codon, c.131T>C (p.L44P), has been detected in an individual with cerebral cavernous malformations (Shenkar, 2015). This amino acid position is highly conserved in available vertebrate species. This alteration is predicted to be deleterious by in silico analysis. Based on insufficient or conflicting evidence, the clinical significance of this alteration remains unclear.

Labcorp Genetics (formerly Invitae), Labcorp
Classification: Uncertain significance for Cerebral cavernous malformation 3. Last evaluated: 2024-02-14. Review status: criteria provided, single submitter. Criteria: Invitae Variant Classification Sherloc (09022015). Collection method: clinical testing. Allele origin: germline.
Comment: This sequence change replaces leucine, which is neutral and non-polar, with arginine, which is basic and polar, at codon 44 of the PDCD10 protein (p.Leu44Arg). This variant is not present in population databases (gnomAD no frequency). This variant has not been reported in the literature in individuals affected with PDCD10-related conditions. An algorithm developed to predict the effect of missense changes on protein structure and function (PolyPhen-2) suggests that this variant is likely to be disruptive. In summary, the available evidence is currently insufficient to determine the role of this variant in disease. Therefore, it has been classified as a Variant of Uncertain Significance.

Literature cited by the submitters: PubMed 25122144 (cited by Ambry Genetics).